The following is an entry in ClinVar:

ClinVar aggregate classification (germline): Uncertain significance (1 of 4 stars; one submission).

Conditions:
Familial hypocalciuric hypercalcemia (FHH). Also called: Familial benign hypercalcemia. Identifiers: Orphanet 405, MedGen C1809471, MONDO:0018458.
Autosomal dominant hypocalcemia 1 (HYPOC1). Also called: HYPOCALCEMIA, FAMILIAL. Identifiers: MedGen C3715128, MONDO:0011013, OMIM 601198.

Allele frequency attached by ClinVar (database versions not stated): gnomAD exomes below 0.00001.
gnomAD v4.1: 1 of 1,614,200 alleles (0.000062%); highest among the groups gnomAD compares: African/African-American, 0.0013%; no homozygotes.

Submission:

Labcorp Genetics (formerly Invitae), Labcorp
Classification: Uncertain significance for Familial hypocalciuric hypercalcemia; Autosomal dominant hypocalcemia 1. Last evaluated: 2022-12-31. Review status: criteria provided, single submitter. Criteria: Invitae Variant Classification Sherloc (09022015). Collection method: clinical testing. Allele origin: germline.
Comment: Algorithms developed to predict the effect of missense changes on protein structure and function (SIFT, PolyPhen-2, Align-GVGD) all suggest that this variant is likely to be disruptive. This sequence change replaces alanine, which is neutral and non-polar, with valine, which is neutral and non-polar, at codon 264 of the CASR protein (p.Ala264Val). This variant is not present in population databases (gnomAD no frequency). This variant has not been reported in the literature in individuals affected with CASR-related conditions. In summary, the available evidence is currently insufficient to determine the role of this variant in disease. Therefore, it has been classified as a Variant of Uncertain Significance.

NM_000388.4(CASR):c.791C>T (p.Ala264Val)

Gene: CASR (calcium sensing receptor; plus strand). Cytogenetic location: 3q21.1.
Variant type: single nucleotide variant.
Coding change: c.791C>T on transcript NM_000388.4 (MANE Select); coding-DNA position 791, C replaced by T.
Protein change: p.Ala264Val; replaces alanine 264 with valine.
Molecular consequence: missense variant.
Genome position (GRCh38, 1-based): chr3:122,261,826, C>T. VCF-style: chr3-122261826-C-T. GRCh37 (hg19) VCF-style: chr3-121980673-C-T.
Other names: c.791C>T, p.Ala264Val (NM_001178065.2); short protein forms A264V.
Identifiers: ClinVar variation 2937107 (VCV002937107.3), dbSNP rs2473226501, ClinGen allele CA354151364.